The following is an entry in ClinVar:

ClinVar aggregate classification (germline): Uncertain significance (1 of 4 stars; one submission).

Submission:

Ambry Genetics
Classification: Uncertain significance. Last evaluated: 2023-01-16. Review status: criteria provided, single submitter. Criteria: Ambry Variant Classification Scheme 2023. Collection method: clinical testing. Allele origin: germline.
Comment: The p.K707Q variant (also known as c.2119A>C), located in coding exon 21 of the KIF1B gene, results from an A to C substitution at nucleotide position 2119. The lysine at codon 707 is replaced by glutamine, an amino acid with similar properties. This amino acid position is conserved. In addition, the in silico prediction for this alteration is inconclusive. Since supporting evidence is limited at this time, the clinical significance of this alteration remains unclear.

NM_001365951.3(KIF1B):c.2257A>C (p.Lys753Gln)

Gene: KIF1B (kinesin family member 1B; plus strand). Cytogenetic location: 1p36.22.
Variant type: single nucleotide variant.
Coding change: c.2257A>C on transcript NM_001365951.3 (MANE Select); coding-DNA position 2257, A replaced by C.
Protein change: p.Lys753Gln; replaces lysine 753 with glutamine.
Molecular consequence: missense variant.
Genome position (GRCh38, 1-based): chr1:10,321,756, A>C. VCF-style: chr1-10321756-A-C. GRCh37 (hg19) VCF-style: chr1-10381814-A-C.
Other names: c.2257A>C, p.Lys753Gln (NM_001365952.1); c.2119A>C, p.Lys707Gln (NM_015074.3); short protein forms K753Q, K707Q.
Identifiers: ClinVar variation 2448753 (VCV002448753.2), dbSNP rs1375341699, ClinGen allele CA338332758.